The following is an entry in ClinVar:

NM_004360.5(CDH1):c.962G>T (p.Arg321Met)

Gene: CDH1 (cadherin 1; plus strand). Cytogenetic location: 16q22.1.
Variant type: single nucleotide variant.
Coding change: c.962G>T on transcript NM_004360.5 (MANE Select); coding-DNA position 962, G replaced by T.
Protein change: p.Arg321Met; replaces arginine 321 with methionine.
Molecular consequence: missense variant. On other transcripts: 5 prime UTR variant (2).
Genome position (GRCh38, 1-based): chr16:68,811,813, G>T. VCF-style: chr16-68811813-G-T. GRCh37 (hg19) VCF-style: chr16-68845716-G-T.
Other names: c.962G>T, p.Arg321Met (NM_001317184.2); c.-654G>T (NM_001317185.2); c.-858G>T (NM_001317186.2); short protein forms R321M.
Identifiers: ClinVar variation 5033889 (VCV005033889.1).

ClinVar aggregate classification (germline): Uncertain significance (1 of 4 stars; one submission).

Conditions:
Hereditary cancer-predisposing syndrome. Also called: Neoplastic Syndromes, Hereditary; Tumor predisposition; Hereditary neoplastic syndrome; Hereditary Cancer Syndrome. Identifiers: Orphanet 140162, MedGen C0027672, MeSH D009386, MONDO:0015356.

Submission:

Ambry Genetics
Classification: Uncertain significance for Hereditary cancer-predisposing syndrome. Last evaluated: 2026-07-02. Review status: criteria provided, single submitter. Criteria: Ambry Variant Classification Scheme 2023. Collection method: clinical testing. Allele origin: germline.
Comment: The p.R321M variant (also known as c.962G>T), located in coding exon 7 of the CDH1 gene, results from a G to T substitution at nucleotide position 962. The arginine at codon 321 is replaced by methionine, an amino acid with similar properties. This amino acid position is conserved. In addition, this alteration is predicted to be tolerated by in silico analysis. Based on the available evidence, the clinical significance of this variant remains unclear.